The following is an entry in ClinVar:

NM_000548.5(TSC2):c.392C>A (p.Pro131His)

Gene: TSC2 (TSC complex subunit 2; plus strand). Cytogenetic location: 16p13.3.
Variant type: single nucleotide variant.
Coding change: c.392C>A on transcript NM_000548.5 (MANE Select); coding-DNA position 392, C replaced by A.
Protein change: p.Pro131His; replaces proline 131 with histidine.
Molecular consequence: missense variant. On other transcripts: 5 prime UTR variant (14), non-coding transcript variant (5), intron variant (6).
Genome position (GRCh38, 1-based): chr16:2,054,351, C>A. VCF-style: chr16-2054351-C-A. GRCh37 (hg19) VCF-style: chr16-2104352-C-A.
Other names: c.392C>A, p.Pro131His (NM_001077183.3, NM_001114382.3, NM_001363528.2 and 8 more transcripts); c.281C>A, p.Pro94His (NM_001318827.2, NM_001406670.1, NM_001406678.1); c.245C>A, p.Pro82His (NM_001318829.2, NM_001406675.1, NM_001406676.1 and 1 more transcripts); c.425C>A, p.Pro142His (NM_001318832.2); c.482C>A, p.Pro161His (NM_001406667.1, NM_001406668.1); c.335C>A, p.Pro112His (NM_001406677.1); c.-425C>A (NM_001406680.1, NM_001406683.1, NM_001406687.1); c.-54C>A (NM_001406681.1); and 6 more; short protein forms P82H, P131H, P161H, P142H, P94H, P112H.
Identifiers: ClinVar variation 3637173 (VCV003637173.2).
Genomic context (GRCh38, chr16:2,054,351, plus strand): 5'-TTTAGGGCGAGCGTTTGGGGGTCCTCAGAGCCCTCTTCTTTAAGGTCATCAAGGATTACC[C>A]TTCCAACGAAGACCTTCACGAAAGGCTGGAGGTTTTCAAGGCCCTCACAGACAATGGGAG-3'
Protein context (NP_000539.2, residues 121-141): ALFFKVIKDY[Pro131His]SNEDLHERLE

ClinVar aggregate classification (germline): Uncertain significance (1 of 4 stars; one submission).

Conditions:
Tuberous sclerosis 2 (TSC2). Identifiers: Orphanet 805, MedGen C1860707, MONDO:0013199, OMIM 613254.

Submission:

Labcorp Genetics (formerly Invitae), Labcorp
Classification: Uncertain significance for Tuberous sclerosis 2. Last evaluated: 2024-07-02. Review status: criteria provided, single submitter. Criteria: Invitae Variant Classification Sherloc (09022015). Collection method: clinical testing. Allele origin: germline.
Comment: This sequence change replaces proline, which is neutral and non-polar, with histidine, which is basic and polar, at codon 131 of the TSC2 protein (p.Pro131His). This variant is not present in population databases (gnomAD no frequency). This variant has not been reported in the literature in individuals affected with TSC2-related conditions. Advanced modeling of protein sequence and biophysical properties (such as structural, functional, and spatial information, amino acid conservation, physicochemical variation, residue mobility, and thermodynamic stability) performed at Invitae indicates that this missense variant is not expected to disrupt TSC2 protein function with a negative predictive value of 95%. In summary, the available evidence is currently insufficient to determine the role of this variant in disease. Therefore, it has been classified as a Variant of Uncertain Significance.